The following is an entry in ClinVar:

NM_012463.4(ATP6V0A2):c.968G>A (p.Cys323Tyr)

Gene: ATP6V0A2 (ATPase H+ transporting V0 subunit a2; plus strand). Cytogenetic location: 12q24.31.
Variant type: single nucleotide variant.
Coding change: c.968G>A on transcript NM_012463.4 (MANE Select); coding-DNA position 968, G replaced by A.
Protein change: p.Cys323Tyr; replaces cysteine 323 with tyrosine.
Molecular consequence: missense variant.
Genome position (GRCh38, 1-based): chr12:123,737,201, G>A. VCF-style: chr12-123737201-G-A. GRCh37 (hg19) VCF-style: chr12-124221748-G-A.
Other names: short protein forms C323Y.
Identifiers: ClinVar variation 387107 (VCV000387107.2), dbSNP rs775855556, ClinGen allele CA6861780.

ClinVar aggregate classification (germline): Uncertain significance (1 of 4 stars; one submission).

Allele frequency attached by ClinVar (database versions not stated): gnomAD 0.00001; gnomAD exomes 0.00001 and 0.00004; TOPMed 0.00001; ExAC 0.00002.
gnomAD v4.1: 13 of 1,614,060 alleles (0.00081%); highest among the groups gnomAD compares: Admixed American, 0.013%; no homozygotes.

Submission:

GeneDx
Classification: Uncertain significance. Last evaluated: 2016-06-28. Review status: criteria provided, single submitter. Criteria: GeneDx Variant Classification (06012015). Collection method: clinical testing. Allele origin: germline. Affected: yes.
Comment: A variant of uncertain significance has been identified in the ATP6V0A2 gene. The C323Y variant has not been published as a pathogenic variant, nor has it been reported as a benign variant to our knowledge. It was not observed in approximately 6,500 individuals of European and African American ancestry in the NHLBI Exome Sequencing Project, indicating it is not a common benign variant in these populations. The C323Y variant is a non-conservative amino acid substitution, which is likely to impact secondary protein structure as these residues differ in polarity, charge, size and/or other properties. This substitution occurs at a position that is conserved across species. However, in silico analysis is inconsistent in its predictions as to whether or not the variant is damaging to the protein structure/function. Therefore, based on the currently available information, it is unclear whether this variant is a pathogenic variant or a rare benign variant.